The following is an entry in ClinVar:

ClinVar aggregate classification (germline): Likely benign (1 of 4 stars; one submission).

Conditions:
Growth delay due to insulin-like growth factor I resistance. Also called: Insulin-Like Growth Factor I Resistance; Somatomedin end-organ insensitivity to; Somatomedin-c resistance to; IGF-1 resistance; IGF-I RESISTANCE. Identifiers: Orphanet 73273, MedGen C1849157, MONDO:0010038, OMIM 270450.

Allele frequency attached by ClinVar (database versions not stated): gnomAD exomes 0.00070; gnomAD 0.00342 and 0.00363; TOPMed 0.00391; 1000 Genomes Project 0.00399; 1000 Genomes Project 30x 0.00453.
gnomAD v4.1: 581 of 233,520 alleles (0.25%); highest among the groups gnomAD compares: African/African-American, 1.2%; 5 homozygotes.

Submission:

Illumina Laboratory Services, Illumina
Classification: Likely benign for Growth delay due to insulin-like growth factor I resistance. Last evaluated: 2018-01-12. Review status: criteria provided, single submitter. Criteria: ICSL Variant Classification Criteria 13 December 2019. Collection method: clinical testing. Allele origin: germline.
Comment: This variant was observed in the ICSL laboratory as part of a predisposition screen in an ostensibly healthy population. It had not been previously curated by ICSL or reported in the Human Gene Mutation Database (HGMD: prior to June 1st, 2018), and was therefore a candidate for classification through an automated scoring system. Utilizing variant allele frequency, disease prevalence and penetrance estimates, and inheritance mode, an automated score was calculated to assess if this variant is too frequent to cause the disease. Based on the score and internal cut-off values, a variant classified as likely benign is not then subjected to further curation. The score for this variant resulted in a classification of likely benign for this disease.

NM_000875.5(IGF1R):c.*5326C>T

Gene: IGF1R (insulin like growth factor 1 receptor; plus strand). Cytogenetic location: 15q26.3.
Variant type: single nucleotide variant.
Coding change: c.*5326C>T on transcript NM_000875.5 (MANE Select); 5326 bases downstream of the stop codon, C replaced by T.
Molecular consequence: 3 prime UTR variant.
Genome position (GRCh38, 1-based): chr15:98,962,768, C>T. VCF-style: chr15-98962768-C-T. GRCh37 (hg19) VCF-style: chr15-99505997-C-T.
Other names: c.*5326C>T (NM_001291858.2).
Identifiers: ClinVar variation 885321 (VCV000885321.4), dbSNP rs148044985, ClinGen allele CA275340337.